The following is an entry in ClinVar:

NM_170682.4(P2RX2):c.178G>T (p.Val60Leu)

Gene: P2RX2 (purinergic receptor P2X 2; plus strand). Cytogenetic location: 12q24.33.
Variant type: single nucleotide variant.
Coding change: c.178G>T on transcript NM_170682.4 (MANE Select); coding-DNA position 178, G replaced by T.
Protein change: p.Val60Leu; replaces valine 60 with leucine.
Molecular consequence: missense variant. On other transcripts: intron variant (1).
Genome position (GRCh38, 1-based): chr12:132,619,443, G>T. VCF-style: chr12-132619443-G-T. GRCh37 (hg19) VCF-style: chr12-133196029-G-T.
Other names: P2RX2, VAL60LEU; c.178G>T (NM_170683.3); c.178G>T, p.Val60Leu (NM_001282164.2, NM_001282165.2, NM_016318.4 and 2 more transcripts); c.110G>T, p.Arg37Leu (NM_012226.5); c.106-401G>T (NM_174872.3); short protein forms V60L, R37L.
Identifiers: ClinVar variation 155762 (VCV000155762.4), dbSNP rs587777692, ClinGen allele CA170678.
Genomic context (GRCh38, chr12:132,619,443, plus strand): 5'-GCGGGACTCAGCCTTCCCAGGGTCGCCTCCGGAGCCGGCGCCGCCCCTGCCCGCAGGTAC[G>T]TATTCATCGTGCAGAAAAGCTACCAGGAGAGCGAGACGGGCCCCGAGAGCTCCATCATCA-3'
Protein context (NP_733782.1, residues 50-70): LLILLYFVWY[Val60Leu]FIVQKSYQES

ClinVar aggregate classification (germline): Pathogenic. Review status: criteria provided, multiple submitters, no conflicts (2 of 4 stars). 3 submissions from 3 submitters: Pathogenic (2). 1 of the submissions does not count toward it. Last evaluated 2006-06-30.

Conditions:
Autosomal dominant nonsyndromic hearing loss 41. Also called: Deafness, autosomal dominant 41. Identifiers: Orphanet 90635, MedGen C1842371, MONDO:0011994, OMIM 608224.

Submissions (3):

Precision Medicine Center, Zhengzhou University
Classification: Pathogenic for Autosomal dominant nonsyndromic hearing loss 41. Last evaluated: 2006-06-30. Review status: criteria provided, single submitter. Criteria: ClinGen HL ACMG Specifications v1. Collection method: clinical testing. Allele origin: paternal. Affected: yes.
Comment: PP1_strong+PS3+PM2+PS4_supporting: The P2RX2 c.178G>T variant is absent or extremely rare in population databases (PM2). It demonstrates strong co-segregation with progressive hearing loss in affected family members (PP1_Strong). Functional studies show impaired ATP-gated ion channel function consistent with cochlear hair cell dysfunction (PS3). At least 2 probands with the variant (PMID: 39258340, 31593348) (PS4_supporting). According to the ACMG/AMP guidelines, this variant is classified as Pathogenic.

Clinical Genetics Service, Universitary Hospital 12 de Octubre
Classification: Pathogenic for Autosomal dominant nonsyndromic hearing loss 41. Review status: criteria provided, single submitter. Criteria: ACMG Guidelines, 2015. Collection method: clinical testing. Allele origin: germline. Affected: yes.

OMIM
Classification: Pathogenic for DEAFNESS, AUTOSOMAL DOMINANT 41. Last evaluated: 2013-02-05. Review status: no assertion criteria provided. Collection method: literature only. Allele origin: germline. Not counted in ClinVar's aggregate classification.

Literature cited by the submitters: PubMed 39258340 (cited by Precision Medicine Center, Zhengzhou University); PubMed 31593348 (cited by Precision Medicine Center, Zhengzhou University); PubMed 12161595 (cited by OMIM); PubMed 23345450 (cited by OMIM).